The following is an entry in ClinVar:

ClinVar aggregate classification (germline): Uncertain significance (1 of 4 stars; one submission).

Conditions:
Primary ciliary dyskinesia. Also called: Ciliary dyskinesia. Identifiers: Orphanet 244, MedGen C0008780, MONDO:0016575, HP:0012265.

Submission:

Labcorp Genetics (formerly Invitae), Labcorp
Classification: Uncertain significance for Primary ciliary dyskinesia. Last evaluated: 2022-01-18. Review status: criteria provided, single submitter. Criteria: Invitae Variant Classification Sherloc (09022015). Collection method: clinical testing. Allele origin: germline.
Comment: In summary, the available evidence is currently insufficient to determine the role of this variant in disease. Therefore, it has been classified as a Variant of Uncertain Significance. Advanced modeling of protein sequence and biophysical properties (such as structural, functional, and spatial information, amino acid conservation, physicochemical variation, residue mobility, and thermodynamic stability) performed at Invitae indicates that this missense variant is not expected to disrupt DNAH5 protein function. This variant has not been reported in the literature in individuals affected with DNAH5-related conditions. This variant is not present in population databases (gnomAD no frequency). This sequence change replaces methionine, which is neutral and non-polar, with leucine, which is neutral and non-polar, at codon 967 of the DNAH5 protein (p.Met967Leu).

NM_001369.3(DNAH5):c.2899A>C (p.Met967Leu)

Genes: DNAH5 (dynein axonemal heavy chain 5; minus strand), DNAH5-AS1 (DNAH5 antisense RNA 1; plus strand). Cytogenetic location: 5p15.2.
Variant type: single nucleotide variant.
Coding change: c.2899A>C on transcript NM_001369.3 (MANE Select); coding-DNA position 2899, A replaced by C.
Protein change: p.Met967Leu; replaces methionine 967 with leucine.
Molecular consequence: missense variant.
Genome position (GRCh38, 1-based): chr5:13,885,073, T>G on the plus strand (A>C on the coding strand, the complement: DNAH5 is on the minus strand). VCF-style: chr5-13885073-T-G. GRCh37 (hg19) VCF-style: chr5-13885182-T-G.
Other names: short protein forms M967L.
Identifiers: ClinVar variation 2087745 (VCV002087745.4), dbSNP rs764914687, ClinGen allele CA359195181.